The following is an entry in ClinVar:

NM_000089.4(COL1A2):c.4047C>G (p.Ile1349Met)

Gene: COL1A2 (collagen type I alpha 2 chain; plus strand). Cytogenetic location: 7q21.3.
Variant type: single nucleotide variant.
Coding change: c.4047C>G on transcript NM_000089.4 (MANE Select); coding-DNA position 4047, C replaced by G.
Protein change: p.Ile1349Met; replaces isoleucine 1349 with methionine.
Molecular consequence: missense variant.
Genome position (GRCh38, 1-based): chr7:94,430,339, C>G. VCF-style: chr7-94430339-C-G. GRCh37 (hg19) VCF-style: chr7-94059651-C-G.
Other names: short protein forms I1349M.
Identifiers: ClinVar variation 2924724 (VCV002924724.4), dbSNP rs144133431, ClinGen allele CA4347910.
Genomic context (GRCh38, chr7:94,430,339, plus strand): 5'-TGAATACAAAACAAATAAGCCATCACGCCTGCCCTTCCTTGATATTGCACCTTTGGACAT[C>G]GGTGGTGCTGACCAGGAATTCTTTGTGGACATTGGCCCAGTCTGTTTCAAATAAATGAAC-3'
Protein context (NP_000080.2, residues 1339-1359): LPFLDIAPLD[Ile1349Met]GGADQEFFVD

ClinVar aggregate classification (germline): Uncertain significance. Review status: criteria provided, multiple submitters, no conflicts (2 of 4 stars). 2 submissions from 2 submitters: Uncertain significance (2). Last evaluated 2026-05-26.

Conditions:
Cardiovascular phenotype. Identifiers: MedGen CN230736.
Osteogenesis imperfecta type I (OI1). Also called: Lobstein disease; OI, TYPE I; OSTEOGENESIS IMPERFECTA TARDA; OSTEOGENESIS IMPERFECTA WITH BLUE SCLERAE; Osteogenesis imperfecta type 1; Lobstein's Disease. Identifiers: Orphanet 216796, Orphanet 666, MedGen C0023931, MONDO:0008146, OMIM 166200. Disease mechanism: loss of function.
Ehlers-Danlos syndrome, classic type, 1 (EDSCL1). Also called: EDS I; EHLERS-DANLOS SYNDROME, GRAVIS TYPE; EHLERS-DANLOS SYNDROME, SEVERE CLASSIC TYPE; Ehlers-Danlos syndrome, type 1; Ehlers-Danlos Syndrome, Classic Type, COL5A1-Related. Identifiers: MedGen C0268335, MONDO:0019567, OMIM 130000.

gnomAD v4.1: 41 of 1,614,012 alleles (0.0025%); highest among the groups gnomAD compares: Non-Finnish European, 0.0035%; no homozygotes.

Submissions (2):

Ambry Genetics
Classification: Uncertain significance for Cardiovascular phenotype. Last evaluated: 2026-05-26. Review status: criteria provided, single submitter. Criteria: Ambry Variant Classification Scheme 2023. Collection method: clinical testing. Allele origin: germline.

Labcorp Genetics (formerly Invitae), Labcorp
Classification: Uncertain significance for Osteogenesis imperfecta type I; Ehlers-Danlos syndrome, classic type, 1. Last evaluated: 2024-03-13. Review status: criteria provided, single submitter. Criteria: Invitae Variant Classification Sherloc (09022015). Collection method: clinical testing. Allele origin: germline.
Comment: This sequence change replaces isoleucine, which is neutral and non-polar, with methionine, which is neutral and non-polar, at codon 1349 of the COL1A2 protein (p.Ile1349Met). This variant is present in population databases (rs144133431, gnomAD 0.003%). This variant has not been reported in the literature in individuals affected with COL1A2-related conditions. Advanced modeling of protein sequence and biophysical properties (such as structural, functional, and spatial information, amino acid conservation, physicochemical variation, residue mobility, and thermodynamic stability) has been performed at Invitae for this missense variant, however the output from this modeling did not meet the statistical confidence thresholds required to predict the impact of this variant on COL1A2 protein function. Algorithms developed to predict the effect of sequence changes on RNA splicing suggest that this variant may disrupt the consensus splice site. In summary, the available evidence is currently insufficient to determine the role of this variant in disease. Therefore, it has been classified as a Variant of Uncertain Significance.